The following is an entry in ClinVar:

NM_182914.3(SYNE2):c.17099G>A (p.Arg5700Lys)

Gene: SYNE2 (spectrin repeat containing nuclear envelope protein 2; plus strand). Cytogenetic location: 14q23.2.
Variant type: single nucleotide variant.
Coding change: c.17099G>A on transcript NM_182914.3 (MANE Select); coding-DNA position 17099, G replaced by A.
Protein change: p.Arg5700Lys; replaces arginine 5700 with lysine.
Molecular consequence: missense variant.
Genome position (GRCh38, 1-based): chr14:64,170,326, G>A. VCF-style: chr14-64170326-G-A. GRCh37 (hg19) VCF-style: chr14-64637044-G-A.
Other names: c.17099G>A, p.Arg5700Lys (NM_015180.6); short protein forms R5700K.
Identifiers: ClinVar variation 3615544 (VCV003615544.2).

ClinVar aggregate classification (germline): Uncertain significance (1 of 4 stars; one submission).

Conditions:
Emery-Dreifuss muscular dystrophy 5, autosomal dominant (EDMD5). Also called: EMERY-DREIFUSS MUSCULAR DYSTROPHY 5. Identifiers: Orphanet 261, MedGen C2751805, MONDO:0013072, OMIM 612999.

gnomAD v4.1: 2 of 1,614,038 alleles (0.00012%); highest among the groups gnomAD compares: Admixed American, 0.0033%; no homozygotes.

Submission:

Labcorp Genetics (formerly Invitae), Labcorp
Classification: Uncertain significance for Emery-Dreifuss muscular dystrophy 5, autosomal dominant. Last evaluated: 2024-04-15. Review status: criteria provided, single submitter. Criteria: Invitae Variant Classification Sherloc (09022015). Collection method: clinical testing. Allele origin: germline.
Comment: This sequence change replaces arginine, which is basic and polar, with lysine, which is basic and polar, at codon 5700 of the SYNE2 protein (p.Arg5700Lys). This variant is not present in population databases (gnomAD no frequency). This variant has not been reported in the literature in individuals affected with SYNE2-related conditions. Algorithms developed to predict the effect of missense changes on protein structure and function output the following: SIFT: "Not Available"; PolyPhen-2: "Benign"; Align-GVGD: "Not Available". The lysine amino acid residue is found in multiple mammalian species, which suggests that this missense change does not adversely affect protein function. In summary, the available evidence is currently insufficient to determine the role of this variant in disease. Therefore, it has been classified as a Variant of Uncertain Significance.